The following is an entry in ClinVar:

ClinVar aggregate classification (germline): Uncertain significance. Review status: criteria provided, multiple submitters, no conflicts (2 of 4 stars). 3 submissions from 3 submitters: Uncertain significance (2). 1 of the submissions does not count toward it. Last evaluated 2025-03-17.

Conditions:
Enhanced S-cone syndrome (ESCS). Identifiers: Orphanet 53540, MedGen C1849394, MONDO:0100288, MONDO:0009989.

Allele frequency attached by ClinVar (database versions not stated): gnomAD exomes 0.00001; gnomAD 0.00003 and 0.00004; TOPMed 0.00009.

Submissions (3):

Labcorp Genetics (formerly Invitae), Labcorp
Classification: Uncertain significance. Last evaluated: 2025-03-17. Review status: criteria provided, single submitter. Criteria: Invitae Variant Classification Sherloc (09022015). Collection method: clinical testing. Allele origin: germline.
Comment: This sequence change replaces arginine, which is basic and polar, with glutamine, which is neutral and polar, at codon 158 of the NR2E3 protein (p.Arg158Gln). The frequency data for this variant in the population databases is considered unreliable, as metrics indicate poor data quality at this position in the gnomAD database. This missense change has been observed in individual(s) with retinal dystrophy (PMID: 30324420). ClinVar contains an entry for this variant (Variation ID: 1002004). Invitae Evidence Modeling of protein sequence and biophysical properties (such as structural, functional, and spatial information, amino acid conservation, physicochemical variation, residue mobility, and thermodynamic stability) indicates that this missense variant is not expected to disrupt NR2E3 protein function with a negative predictive value of 95%. In summary, the available evidence is currently insufficient to determine the role of this variant in disease. Therefore, it has been classified as a Variant of Uncertain Significance.

Blueprint Genetics
Classification: Uncertain significance. Last evaluated: 2022-10-17. Review status: criteria provided, single submitter. Criteria: ACMG Guidelines, 2015. Collection method: clinical testing. Allele origin: germline.

Natera, Inc.
Classification: Uncertain significance for Enhanced S cone syndrome. Last evaluated: 2020-02-21. Review status: no assertion criteria provided. Collection method: clinical testing. Allele origin: germline. Not counted in ClinVar's aggregate classification.

Literature cited by the submitters: PubMed 30324420 (cited by Labcorp Genetics (formerly Invitae), Labcorp).

NM_014249.4(NR2E3):c.473G>A (p.Arg158Gln)

Gene: NR2E3 (nuclear receptor subfamily 2 group E member 3; plus strand). Cytogenetic location: 15q23.
Variant type: single nucleotide variant.
Coding change: c.473G>A on transcript NM_014249.4 (MANE Select); coding-DNA position 473, G replaced by A.
Protein change: p.Arg158Gln; replaces arginine 158 with glutamine.
Molecular consequence: missense variant.
Genome position (GRCh38, 1-based): chr15:71,812,078, G>A. VCF-style: chr15-71812078-G-A. GRCh37 (hg19) VCF-style: chr15-72104418-G-A.
Other names: c.473G>A, p.Arg158Gln (NM_016346.4); short protein forms R158Q.
Identifiers: ClinVar variation 1002004 (VCV001002004.10), dbSNP rs889451258, ClinGen allele CA272575160.